The following is an entry in ClinVar:

ClinVar aggregate classification (germline): Uncertain significance. Review status: criteria provided, multiple submitters, no conflicts (2 of 4 stars). 2 submissions from 2 submitters: Uncertain significance (2). Last evaluated 2025-05-04.

Conditions:
Inborn genetic diseases. Identifiers: MedGen C0950123, MeSH D030342.
Autosomal recessive spinocerebellar ataxia 14. Also called: CEREBELLAR ATAXIA, AUTOSOMAL RECESSIVE, SPECTRIN-ASSOCIATED, 1. Identifiers: Orphanet 352403, MedGen C4706415, MONDO:0014159, OMIM 615386.
Spinocerebellar ataxia type 5 (SCA5). Identifiers: Orphanet 98766, MedGen C0752123, MONDO:0010848, OMIM 600224.

Allele frequency attached by ClinVar (database versions not stated): gnomAD 0.00001 and 0.00002; gnomAD exomes 0.00002; TOPMed 0.00003; ExAC 0.00004.
gnomAD v4.1: 21 of 1,613,586 alleles (0.0013%); highest among the groups gnomAD compares: Admixed American, 0.0017%; no homozygotes.

Submissions (2):

Ambry Genetics
Classification: Uncertain significance for Inborn genetic diseases. Last evaluated: 2025-05-04. Review status: criteria provided, single submitter. Criteria: Ambry Variant Classification Scheme 2023. Collection method: clinical testing. Allele origin: germline.

Labcorp Genetics (formerly Invitae), Labcorp
Classification: Uncertain significance. Last evaluated: 2022-08-09. Review status: criteria provided, single submitter. Criteria: Invitae Variant Classification Sherloc (09022015). Collection method: clinical testing. Allele origin: germline.
Comment: This sequence change replaces arginine, which is basic and polar, with glutamine, which is neutral and polar, at codon 2321 of the SPTBN2 protein (p.Arg2321Gln). In summary, the available evidence is currently insufficient to determine the role of this variant in disease. Therefore, it has been classified as a Variant of Uncertain Significance. Algorithms developed to predict the effect of sequence changes on RNA splicing suggest that this variant may create or strengthen a splice site. Advanced modeling of protein sequence and biophysical properties (such as structural, functional, and spatial information, amino acid conservation, physicochemical variation, residue mobility, and thermodynamic stability) performed at Invitae indicates that this missense variant is not expected to disrupt SPTBN2 protein function. ClinVar contains an entry for this variant (Variation ID: 1413250). This variant has not been reported in the literature in individuals affected with SPTBN2-related conditions. This variant is present in population databases (rs757727990, gnomAD 0.006%).

NM_006946.4(SPTBN2):c.6962G>A (p.Arg2321Gln)

Gene: SPTBN2 (spectrin beta, non-erythrocytic 2; minus strand). Cytogenetic location: 11q13.2.
Variant type: single nucleotide variant.
Coding change: c.6962G>A on transcript NM_006946.4 (MANE Select); coding-DNA position 6962, G replaced by A.
Protein change: p.Arg2321Gln; replaces arginine 2321 with glutamine.
Molecular consequence: missense variant.
Genome position (GRCh38, 1-based): chr11:66,686,082, C>T on the plus strand (G>A on the coding strand, the complement: SPTBN2 is on the minus strand). VCF-style: chr11-66686082-C-T. GRCh37 (hg19) VCF-style: chr11-66453553-C-T.
Other names: c.6962G>A (NM_006946.2); short protein forms R2321Q.
Identifiers: ClinVar variation 1413250 (VCV001413250.9), dbSNP rs757727990, ClinGen allele CA6127669.